The following is an entry in ClinVar:

ClinVar aggregate classification (germline): Pathogenic (1 of 4 stars; one submission).

Conditions:
Malignant hyperthermia, susceptibility to, 5 (MHS5). Also called: CACNA1S-Related Malignant Hyperthermia Susceptibility. Identifiers: Orphanet 423, MedGen C1866077, MONDO:0011163, OMIM 601887.
Hypokalemic periodic paralysis, type 1. Also called: Hypokalemic Periodic Paralysis Type 1 (AD); HypoPP. Identifiers: Orphanet 681, MedGen C3714580, MONDO:0042979, OMIM 170400.

Submission:

Labcorp Genetics (formerly Invitae), Labcorp
Classification: Pathogenic for Hypokalemic periodic paralysis, type 1; Malignant hyperthermia, susceptibility to, 5. Last evaluated: 2023-12-06. Review status: criteria provided, single submitter. Criteria: Invitae Variant Classification Sherloc (09022015). Collection method: clinical testing. Allele origin: germline.
Comment: This sequence change creates a premature translational stop signal (p.Lys424Serfs*6) in the CACNA1S gene. It is expected to result in an absent or disrupted protein product. Loss-of-function variants in CACNA1S are known to be pathogenic (PMID: 26247046, 28012042). This variant is not present in population databases (gnomAD no frequency). This variant has not been reported in the literature in individuals affected with CACNA1S-related conditions. For these reasons, this variant has been classified as Pathogenic.

Literature cited by the submitters: PubMed 26247046; PubMed 28012042.

NM_000069.3(CACNA1S):c.1271del (p.Lys424fs)

Gene: CACNA1S (calcium voltage-gated channel subunit alpha1 S; minus strand). Cytogenetic location: 1q32.1.
Variant type: Deletion.
Coding change: c.1271del on transcript NM_000069.3 (MANE Select); coding-DNA position 1271, one base deleted (A; older notation c.1271delA).
Protein change: p.Lys424fs; shifts the reading frame from lysine 424.
Molecular consequence: frameshift variant.
Genome position (GRCh38, 1-based): chr1:201,083,284, T deleted on the plus strand (A on the coding strand, the reverse complement: CACNA1S is on the minus strand); the first of 2 consecutive T bases (chr1:201,083,284-201,083,285); deleting either gives the same sequence. VCF-style (leftmost placement, unchanged base first): chr1-201083283-CT-C. GRCh37 (hg19) VCF-style: chr1-201052411-CT-C.
Other names: short protein forms K424fs.
Identifiers: ClinVar variation 2954241 (VCV002954241.3), dbSNP rs2464589957, ClinGen allele CA2740090477.